The following is an entry in ClinVar:

ClinVar aggregate classification (germline): Uncertain significance. Review status: criteria provided, single submitter (1 of 4 stars). 2 submissions from 2 submitters: Uncertain significance (1). 1 of the submissions does not count toward it. Last evaluated 2023-06-07.

Conditions:
SHANK1-related disorder. Also called: SHANK1-related condition.

gnomAD v4.1: 2 of 1,542,234 alleles (0.00013%); highest among the groups gnomAD compares: Non-Finnish European, 0.00018%; no homozygotes.

Submissions (2):

GeneDx
Classification: Uncertain significance. Last evaluated: 2023-06-07. Review status: criteria provided, single submitter. Criteria: GeneDx Variant Classification Process June 2021. Collection method: clinical testing. Allele origin: germline. Affected: yes.
Comment: Not observed at significant frequency in large population cohorts (gnomAD); In silico analysis supports that this missense variant has a deleterious effect on protein structure/function; Has not been previously published as pathogenic or benign to our knowledge

PreventionGenetics, part of Exact Sciences
Classification: Uncertain significance for SHANK1-related condition. Last evaluated: 2024-09-17. Review status: no assertion criteria provided. Collection method: clinical testing. Allele origin: germline. Not counted in ClinVar's aggregate classification.
Comment: The SHANK1 c.2048C>T variant is predicted to result in the amino acid substitution p.Ala683Val. To our knowledge, this variant has not been reported in the literature or in a large population database, indicating this variant is rare. At this time, the clinical significance of this variant is uncertain due to the absence of conclusive functional and genetic evidence.

NM_016148.5(SHANK1):c.2048C>T (p.Ala683Val)

Gene: SHANK1 (SH3 and multiple ankyrin repeat domains 1; minus strand). Cytogenetic location: 19q13.33.
Variant type: single nucleotide variant.
Coding change: c.2048C>T on transcript NM_016148.5 (MANE Select); coding-DNA position 2048, C replaced by T.
Protein change: p.Ala683Val; replaces alanine 683 with valine.
Molecular consequence: missense variant.
Genome position (GRCh38, 1-based): chr19:50,688,968, G>A on the plus strand (C>T on the coding strand, the complement: SHANK1 is on the minus strand). VCF-style: chr19-50688968-G-A. GRCh37 (hg19) VCF-style: chr19-51192225-G-A.
Other names: c.2048C>T (NM_016148.3); short protein forms A683V.
Identifiers: ClinVar variation 3252550 (VCV003252550.2), dbSNP rs1986451806.